The following is an entry in ClinVar:

ClinVar aggregate classification (germline): Likely pathogenic (1 of 4 stars; one submission).

Submission:

GeneDx
Classification: Likely pathogenic. Last evaluated: 2018-06-22. Review status: criteria provided, single submitter. Criteria: GeneDx Variant Classification (06012015). Collection method: clinical testing. Allele origin: germline. Affected: yes.
Comment: The c.2954_2955dupTG variant in the EMC1 gene has not been reported previously as a pathogenic variant nor as a benign variant, to our knowledge. The c.2954_2955dupTG variant causes a frameshift , changing codon Lysine 986 to a premature Stop codon, denoted p.Lys986Ter. This variant is predicted to cause loss of normal protein function through protein truncation. The c.2954_2955dupTG variant is not observed in large population cohorts (Lek et al., 2016). We interpret c.2954_2955dupTG as a likely pathogenic variant.

NM_015047.3(EMC1):c.2954_2955dup (p.Lys986Ter)

Genes: EMC1 (ER membrane protein complex subunit 1; minus strand), EMC1-AS1 (EMC1 antisense RNA 1; plus strand). Cytogenetic location: 1p36.13.
Variant type: Duplication.
Coding change: c.2954_2955dup on transcript NM_015047.3 (MANE Select); coding-DNA positions 2954 to 2955, 2 bases duplicated (TG; older notation c.2954_2955dupTG).
Protein change: p.Lys986Ter; replaces lysine 986 with a stop codon.
Molecular consequence: nonsense.
Genome position (GRCh38, 1-based): chr1:19,219,330-19,219,331, CA duplicated on the plus strand (TG on the coding strand, the reverse complement: EMC1 is on the minus strand); duplicating any 2 consecutive bases within chr1:19,219,330-19,219,332 gives the same sequence; the c. name uses the placement nearest the transcript's 3' end. VCF-style (leftmost placement, unchanged base first): chr1-19219329-T-TCA. GRCh37 (hg19) VCF-style: chr1-19545823-T-TCA.
Other names: c.2951_2952dup, p.Lys985Ter (NM_001271427.2, NM_001271428.2); c.2888_2889dup, p.Lys964Ter (NM_001271429.2); c.2963_2964dup, p.Lys989Ter (NM_001375820.1); c.2960_2961dup, p.Lys988Ter (NM_001375821.1); short protein forms K964*, K985*, K989*, K986*, K988*.
Identifiers: ClinVar variation 817005 (VCV000817005.1), dbSNP rs1571963780, ClinGen allele CA915941166.